The following is an entry in ClinVar:

ClinVar aggregate classification (germline): Pathogenic (1 of 4 stars; one submission).

Conditions:
Okur-Chung neurodevelopmental syndrome (OCNDS). Identifiers: Orphanet 689422, MedGen C4310739, MONDO:0014893, OMIM 617062.

Allele frequency attached by ClinVar (database versions not stated): gnomAD 0.00001.
gnomAD v4.1: 1 of 1,613,168 alleles (0.000062%); highest among the groups gnomAD compares: Non-Finnish European, 0.000085%; no homozygotes.

Submission:

MGZ Medical Genetics Center
Classification: Pathogenic for Okur-Chung neurodevelopmental syndrome. Last evaluated: 2022-07-11. Review status: criteria provided, single submitter. Criteria: ACMG Guidelines, 2015. Collection method: clinical testing. Allele origin: germline. Affected: yes. Observed: 1 variant allele.
Comment: ACMG criteria applied: PVS1, PS2, PM1

NM_177559.3(CSNK2A1):c.127C>T (p.Arg43Ter)

Gene: CSNK2A1 (casein kinase 2 alpha 1; minus strand). Cytogenetic location: 20p13.
Variant type: single nucleotide variant.
Coding change: c.127C>T on transcript NM_177559.3 (MANE Select); coding-DNA position 127, C replaced by T.
Protein change: p.Arg43Ter; replaces arginine 43 with a stop codon.
Molecular consequence: nonsense. On other transcripts: 5 prime UTR variant (1).
Genome position (GRCh38, 1-based): chr20:505,204, G>A on the plus strand (C>T on the coding strand, the complement: CSNK2A1 is on the minus strand). VCF-style: chr20-505204-G-A. GRCh37 (hg19) VCF-style: chr20-485848-G-A.
Other names: c.127C>T, p.Arg43Ter (NM_001362770.2, NM_001362771.2, NM_001895.4); c.-282C>T (NM_177560.3); short protein forms R43*.
Identifiers: ClinVar variation 1709571 (VCV001709571.2), dbSNP rs1301632648, ClinGen allele CA407940261.